The following is an entry in ClinVar:

NM_001783.4(CD79A):c.224C>A (p.Thr75Lys)

Genes: CD79A (CD79a molecule; plus strand), RPS19-CD79A (RPS19-CD79A readthrough; plus strand). Cytogenetic location: 19q13.2.
Variant type: single nucleotide variant.
Coding change: c.224C>A on transcript NM_001783.4 (MANE Select); coding-DNA position 224, C replaced by A.
Protein change: p.Thr75Lys; replaces threonine 75 with lysine.
Molecular consequence: missense variant.
Genome position (GRCh38, 1-based): chr19:41,879,134, C>A. VCF-style: chr19-41879134-C-A. GRCh37 (hg19) VCF-style: chr19-42383204-C-A.
Other names: c.224C>A, p.Thr75Lys (NM_021601.4); short protein forms T75K.
Identifiers: ClinVar variation 569215 (VCV000569215.8), dbSNP rs199967393, ClinGen allele CA406034382.
Genomic context (GRCh38, chr19:41,879,134, plus strand): 5'-CGCACAATAGCAGCAACAACGCCAACGTCACCTGGTGGCGCGTCCTCCATGGCAACTACA[C>A]GTGGCCCCCTGAGTTCTTGGGCCCGGGCGAGGACCCCAATGGTACGCTGATCATCCAGAA-3'
Protein context (NP_001774.1, residues 65-85): TWWRVLHGNY[Thr75Lys]WPPEFLGPGE

ClinVar aggregate classification (germline): Uncertain significance (1 of 4 stars; one submission).

Conditions:
Agammaglobulinemia 3, autosomal recessive (AGM3). Also called: AGAMMAGLOBULINEMIA 3; AGAMMAGLOBULINEMIA, AUTOSOMAL RECESSIVE, DUE TO CD79A DEFECT. Identifiers: MedGen C3150751, MONDO:0013288, OMIM 613501.

Allele frequency attached by ClinVar (database versions not stated): TOPMed 0.00001; gnomAD 0.00003.

Submission:

Labcorp Genetics (formerly Invitae), Labcorp
Classification: Uncertain significance for Agammaglobulinemia 3, autosomal recessive. Last evaluated: 2018-05-26. Review status: criteria provided, single submitter. Criteria: Invitae Variant Classification Sherloc (09022015). Collection method: clinical testing. Allele origin: germline.
Comment: This sequence change replaces threonine with lysine at codon 75 of the CD79A protein (p.Thr75Lys). The threonine residue is highly conserved and there is a moderate physicochemical difference between threonine and lysine. This variant is not present in population databases (ExAC no frequency). This variant has not been reported in the literature in individuals with CD79A-related disease. Algorithms developed to predict the effect of missense changes on protein structure and function are either unavailable or do not agree on the potential impact of this missense change (SIFT: "Deleterious"; PolyPhen-2: "Possibly Damaging"; Align-GVGD: "Class C15"). In summary, the available evidence is currently insufficient to determine the role of this variant in disease. Therefore, it has been classified as a Variant of Uncertain Significance.